The following is an entry in ClinVar:

NM_001365951.3(KIF1B):c.106+5G>A

Genes: KIF1B (kinesin family member 1B; plus strand), LOC129388446 (MPRA-validated peak64 silencer; plus strand). Cytogenetic location: 1p36.22.
Variant type: single nucleotide variant.
Coding change: c.106+5G>A on transcript NM_001365951.3 (MANE Select); 5 bases into the intron after coding-DNA position 106, G replaced by A.
Molecular consequence: intron variant.
Genome position (GRCh38, 1-based): chr1:10,232,439, G>A. VCF-style: chr1-10232439-G-A. GRCh37 (hg19) VCF-style: chr1-10292497-G-A.
Other names: c.106+5G>A (NM_183416.4, NM_015074.3, NM_001365952.1 and 1 more transcripts).
Identifiers: ClinVar variation 3533945 (VCV003533945.1).

ClinVar aggregate classification (germline): Uncertain significance (1 of 4 stars; one submission).

Submission:

Ambry Genetics
Classification: Uncertain significance. Last evaluated: 2024-08-13. Review status: criteria provided, single submitter. Criteria: Ambry Variant Classification Scheme 2023. Collection method: clinical testing. Allele origin: germline.
Comment: The c.106+5G>A intronic variant results from a G to A substitution 5 nucleotides after coding exon 1 in the KIF1B gene. This nucleotide position is highly conserved in available vertebrate species. In silico splice site analysis predicts that this alteration will weaken the native splice donor site. The evidence for this gene-disease relationship is limited; therefore, the clinical significance of this alteration is unclear.